The following is an entry in ClinVar:

NM_015205.3(ATP11A):c.*61TC[1]

Gene: ATP11A (ATPase phospholipid transporting 11A; plus strand). Cytogenetic location: 13q34.
Variant type: Microsatellite.
Coding change: c.*61TC[1] on transcript NM_015205.3 (MANE Select); one copy of the 2-base unit TC starting at c.*61; the reference has two copies in a row; one copy, 2 bases deleted.
Molecular consequence: 3 prime UTR variant. On other transcripts: frameshift variant (3).
Genome position (GRCh38, 1-based): chr13:112,881,929-112,881,930, TC deleted; deleting any 2 consecutive bases within chr13:112,881,926-112,881,930 gives the same sequence; the position shown is the placement nearest the transcript's 3' end. VCF-style (leftmost placement, unchanged base first): chr13-112881925-ACT-A. GRCh37 (hg19) VCF-style: chr13-113536239-ACT-A.
Other names: c.3444_3445del, p.Gln1149fs (NM_001405661.1); c.3381_3382del, p.Gln1128fs (NM_001405662.1); c.*63TC[1] (NM_001405663.1); c.3441_3442del, p.Gln1148fs (NM_032189.4); c.3441_3442delTC (NM_032189.3); short protein forms Q1128fs, Q1148fs, Q1149fs.
Identifiers: ClinVar variation 3387826 (VCV003387826.15).
Genomic context (GRCh38, chr13:112,881,925, plus strand): 5'-CCTCTCTGCAGAGCCCAGGCTACCAGAGCACCTGTCCCTCGGCCGCCTGGTACAGCTCCC[ACT>A]CTCAGCAGGTGACACTCGCGGCCTGGAAGGAGAAGGTGTCCACGGAGCCCCCACCCATCC-3'

ClinVar aggregate classification (germline): Conflicting classifications of pathogenicity. Review status: criteria provided, conflicting classifications (1 of 4 stars). 2 submissions from 2 submitters: Uncertain significance (1); Likely benign (1). Last evaluated 2026-08-25.

Conditions:
ATP11A-related disorder. Also called: ATP11A-related condition.

Submissions (2):

PreventionGenetics, part of Exact Sciences
Classification: Uncertain significance for ATP11A-related condition. Last evaluated: 2026-08-25. Review status: criteria provided, single submitter. Criteria: ACMG Guidelines, 2015. Collection method: clinical testing. Allele origin: germline.
Comment: The ATP11A c.3441_3442delTC variant is predicted to result in a frameshift and premature protein termination (p.Gln1148Alafs*36). This variant was reported in an individual with autism spectrum disorder (Table S6, Callaghan et al. 2019. PubMed ID: 31038196). This variant is reported in 0.099% of alleles in individuals of European (Non-Finnish) descent in gnomAD, including one homozygote. Although we suspect that this variant may be benign, at this time, the clinical significance of this variant is uncertain due to the absence of conclusive functional and genetic evidence.

CeGaT Center for Human Genetics Tuebingen
Classification: Likely benign. Last evaluated: 2024-11-01. Review status: criteria provided, single submitter. Criteria: CeGaT Center For Human Genetics Tuebingen Variant Classification Criteria Version 2. Collection method: clinical testing. Allele origin: germline. Affected: yes. Observed: 1 variant allele.
Comment: ATP11A: BP2